The following is an entry in ClinVar:

ClinVar aggregate classification (germline): Uncertain significance (1 of 4 stars; one submission).

Conditions:
Immunodeficiency 39 (IMD39). Identifiers: Orphanet 574918, MedGen C4225358, MONDO:0014597, OMIM 616345.

Submission:

Labcorp Genetics (formerly Invitae), Labcorp
Classification: Uncertain significance for Immunodeficiency 39. Last evaluated: 2025-03-05. Review status: criteria provided, single submitter. Criteria: Invitae Variant Classification Sherloc (09022015). Collection method: clinical testing. Allele origin: germline.
Comment: This sequence change creates a premature translational stop signal (p.Trp251Glyfs*3) in the IRF7 gene. It is expected to result in an absent or disrupted protein product. However, the current clinical and genetic evidence is not sufficient to establish whether loss-of-function variants in IRF7 cause disease. This variant is present in population databases (no rsID available, gnomAD 0.003%). This variant has not been reported in the literature in individuals affected with IRF7-related conditions. ClinVar contains an entry for this variant (Variation ID: 1976293). In summary, the available evidence is currently insufficient to determine the role of this variant in disease. Therefore, it has been classified as a Variant of Uncertain Significance.

NM_001572.5(IRF7):c.711del (p.Trp238fs)

Gene: IRF7 (interferon regulatory factor 7; minus strand). Cytogenetic location: 11p15.5.
Variant type: Deletion.
Coding change: c.711del on transcript NM_001572.5 (MANE Select); coding-DNA position 711, one base deleted (G; older notation c.711delG).
Protein change: p.Trp238fs; shifts the reading frame from tryptophan 238.
Molecular consequence: frameshift variant. On other transcripts: intron variant (1).
Genome position (GRCh38, 1-based): chr11:614,006, C deleted on the plus strand (G on the coding strand, the reverse complement: IRF7 is on the minus strand); the first of 3 consecutive C bases (chr11:614,006-614,008); deleting any one gives the same sequence. VCF-style (leftmost placement, unchanged base first): chr11-614005-AC-A. GRCh37 (hg19) VCF-style: chr11-614005-AC-A.
Other names: c.750del, p.Trp251fs (NM_004031.4); c.680-141del (NM_004029.4); short protein forms W251fs, W238fs.
Identifiers: ClinVar variation 1976293 (VCV001976293.5), dbSNP rs1259360383, ClinGen allele CA597020182.